The following is an entry in ClinVar:

ClinVar aggregate classification (germline): Benign (1 of 4 stars; one submission).

Allele frequency attached by ClinVar (database versions not stated): ExAC 0.66963; gnomAD exomes 0.67796; gnomAD 0.69278; TOPMed 0.69862; 1000 Genomes Project 30x 0.72673; 1000 Genomes Project 0.73043.
gnomAD v4.1: 321,429 of 470,774 alleles (68%); highest among the groups gnomAD compares: East Asian, 76%; 110,410 homozygotes.

Submission:

Unidad de Genómica Garrahan, Hospital de Pediatría Garrahan
Classification: Benign. Last evaluated: 2023-11-12. Review status: criteria provided, single submitter. Criteria: ACMG Guidelines, 2015. Collection method: clinical testing. Allele origin: germline. Affected: no. Observed: 91 variant alleles.
Comment: This variant is classified as Benign based on local population frequency. This variant was detected in 95% of patients studied by a panel of primary immunodeficiencies. Number of patients: 91. Only high quality variants are reported.

NM_000628.5(IL10RB):c.805-2113A>G

Genes: IFNAR2-IL10RB (IFNAR2-IL10RB readthrough; plus strand), IL10RB (interleukin 10 receptor subunit beta; plus strand). Cytogenetic location: 21q22.11.
Variant type: single nucleotide variant.
Coding change: c.805-2113A>G on transcript NM_000628.5 (MANE Select); 2113 bases into the intron before coding-DNA position 805, A replaced by G.
Molecular consequence: intron variant.
Genome position (GRCh38, 1-based): chr21:33,294,071, A>G. VCF-style: chr21-33294071-A-G. GRCh37 (hg19) VCF-style: chr21-34666376-A-G.
Other names: c.1465-2113A>G (NM_001414505.1); c.804+5810A>G (NM_001405849.1, NM_001405850.1); c.647-2113A>G (NM_001406840.1).
Identifiers: ClinVar variation 2628185 (VCV002628185.2), dbSNP rs1467845, ClinGen allele CA10006255.